The following is an entry in ClinVar:

ClinVar aggregate classification (germline): Conflicting classifications of pathogenicity. Review status: criteria provided, conflicting classifications (1 of 4 stars). 2 submissions from 2 submitters: Uncertain significance (1); Likely benign (1). Last evaluated 2024-09-20.

Conditions:
DeSanto-Shinawi syndrome due to WAC point mutation (DESSH). Also called: Facial dysmorphism-developmental delay-behavioral abnormalities syndrome due to WAC point mutation; WAC-Related Intellectual Disability; DEVELOPMENTAL DELAY, BEHAVIORAL ABNORMALITIES, FACIAL DYSMORPHISM, AND OCULAR ABNORMALITIES. Identifiers: Orphanet 284169, Orphanet 466950, MedGen C5681129, MONDO:0014741, OMIM 616708.

Submissions (2):

3billion
Classification: Likely benign for DeSanto-Shinawi syndrome due to WAC point mutation. Last evaluated: 2024-09-20. Review status: criteria provided, single submitter. Criteria: ACMG Guidelines, 2015. Collection method: clinical testing. Allele origin: germline. Affected: no.
Comment: The variant was identified in at least one patient who was diagnosed with a different variant in another gene and showed no symptoms related to the gene containing the variant in question.

GeneDx
Classification: Uncertain significance. Last evaluated: 2022-04-06. Review status: criteria provided, single submitter. Criteria: GeneDx Variant Classification Process June 2021. Collection method: clinical testing. Allele origin: germline. Affected: yes.
Comment: Not observed at significant frequency in large population cohorts (gnomAD); In silico analysis supports that this missense variant does not alter protein structure/function; Has not been previously published as pathogenic or benign to our knowledge

NM_016628.5(WAC):c.1444A>G (p.Thr482Ala)

Gene: WAC (WW domain containing adaptor with coiled-coil; plus strand). Cytogenetic location: 10p12.1.
Variant type: single nucleotide variant.
Coding change: c.1444A>G on transcript NM_016628.5 (MANE Select); coding-DNA position 1444, A replaced by G.
Protein change: p.Thr482Ala; replaces threonine 482 with alanine.
Molecular consequence: missense variant.
Genome position (GRCh38, 1-based): chr10:28,614,573, A>G. VCF-style: chr10-28614573-A-G. GRCh37 (hg19) VCF-style: chr10-28903502-A-G.
Other names: c.1309A>G, p.Thr437Ala (NM_100264.3); c.1135A>G, p.Thr379Ala (NM_100486.4); short protein forms T379A, T437A, T482A.
Identifiers: ClinVar variation 1708872 (VCV001708872.3), dbSNP rs2492190902, ClinGen allele CA376404488.